The following is an entry in ClinVar:

NM_000939.4(POMC):c.101G>A (p.Cys34Tyr)

Gene: POMC (proopiomelanocortin; minus strand). Cytogenetic location: 2p23.3.
Variant type: single nucleotide variant.
Coding change: c.101G>A on transcript NM_000939.4 (MANE Select); coding-DNA position 101, G replaced by A.
Protein change: p.Cys34Tyr; replaces cysteine 34 with tyrosine.
Molecular consequence: missense variant.
Genome position (GRCh38, 1-based): chr2:25,164,672, C>T on the plus strand (G>A on the coding strand, the complement: POMC is on the minus strand). VCF-style: chr2-25164672-C-T. GRCh37 (hg19) VCF-style: chr2-25387541-C-T.
Other names: c.101G>A, p.Cys34Tyr (NM_001035256.3, NM_001319204.2, NM_001319205.2); short protein forms C34Y.
Identifiers: ClinVar variation 5001154 (VCV005001154.1).
Genomic context (GRCh38, chr2:25,164,672, plus strand): 5'-AGCCAAGATGGCAGTCATGGCCCACGTACCAGCAGGTTGCTTTCCGTGGTGAGGTCCTGA[C>T]ACTGGCTGCTCTCCAGGCACCAGCCACGCACTTCCATGGAGGCCTGAAGCAGCAAGGCCA-3'
Protein context (NP_000930.1, residues 24-44): VRGWCLESSQ[Cys34Tyr]QDLTTESNLL

ClinVar aggregate classification (germline): Uncertain significance (1 of 4 stars; one submission).

Conditions:
POMC-related disorder. Also called: POMC-related disorders; POMC-related condition.

Submission:

PreventionGenetics, part of Exact Sciences
Classification: Uncertain significance for POMC-related condition. Last evaluated: 2024-11-23. Review status: criteria provided, single submitter. Criteria: ACMG Guidelines, 2015. Collection method: clinical testing. Allele origin: germline.
Comment: The POMC c.101G>A variant is predicted to result in the amino acid substitution p.Cys34Tyr. To our knowledge, this variant has not been reported in the literature or in a large population database (gnomAD), indicating this variant is rare. At this time, the clinical significance of this variant is uncertain due to the absence of conclusive functional and genetic evidence.